The following is an entry in ClinVar:

ClinVar aggregate classification (germline): Uncertain significance. Review status: criteria provided, multiple submitters, no conflicts (2 of 4 stars). 4 submissions from 4 submitters: Uncertain significance (4). Last evaluated 2026-07-07.

Conditions:
Hereditary cancer-predisposing syndrome. Also called: Tumor predisposition; Hereditary neoplastic syndrome; Hereditary Cancer Syndrome; Neoplastic Syndromes, Hereditary. Identifiers: Orphanet 140162, MedGen C0027672, MeSH D009386, MONDO:0015356.
Familial cancer of breast. Also called: BREAST CANCER, FAMILIAL; hereditary breast carcinoma; Hereditary breast cancer. Identifiers: Orphanet 227535, MedGen C0346153, MONDO:0016419, OMIM 114480. Disease mechanism: loss of function.

Submissions (4):

Ambry Genetics
Classification: Uncertain significance for Hereditary cancer-predisposing syndrome. Last evaluated: 2026-07-07. Review status: criteria provided, single submitter. Criteria: Ambry Variant Classification Scheme 2023. Collection method: clinical testing. Allele origin: germline.
Comment: The p.G623R variant (also known as c.1867G>C), located in coding exon 9 of the BARD1 gene, results from a G to C substitution at nucleotide position 1867. The glycine at codon 623 is replaced by arginine, an amino acid with dissimilar properties. This amino acid position is conserved. In addition, the in silico prediction for this alteration is inconclusive. Based on the available evidence, the clinical significance of this variant remains unclear.

Color Diagnostics, LLC DBA Color Health
Classification: Uncertain significance for Hereditary cancer-predisposing syndrome. Last evaluated: 2025-04-28. Review status: criteria provided, single submitter. Criteria: ACMG Guidelines, 2015. Collection method: clinical testing. Allele origin: germline.
Comment: This missense variant replaces glycine with arginine at codon 623 of the BARD1 protein. Computational prediction suggests that this variant may not impact protein structure and function. To our knowledge, functional studies have not been reported for this variant. This variant has not been reported in individuals affected with BARD1-related disorders in the literature. This variant has not been identified in the general population by the Genome Aggregation Database (gnomAD). The available evidence is insufficient to determine the role of this variant in disease conclusively. Therefore, this variant is classified as a Variant of Uncertain Significance.

Labcorp Genetics (formerly Invitae), Labcorp
Classification: Uncertain significance for Familial cancer of breast. Last evaluated: 2024-11-09. Review status: criteria provided, single submitter. Criteria: Invitae Variant Classification Sherloc (09022015). Collection method: clinical testing. Allele origin: germline.
Comment: This sequence change replaces glycine, which is neutral and non-polar, with arginine, which is basic and polar, at codon 623 of the BARD1 protein (p.Gly623Arg). This variant is not present in population databases (gnomAD no frequency). This variant has not been reported in the literature in individuals affected with BARD1-related conditions. ClinVar contains an entry for this variant (Variation ID: 127724). An algorithm developed to predict the effect of missense changes on protein structure and function (PolyPhen-2) suggests that this variant is likely to be disruptive. In summary, the available evidence is currently insufficient to determine the role of this variant in disease. Therefore, it has been classified as a Variant of Uncertain Significance.

GeneDx
Classification: Uncertain significance. Last evaluated: 2014-02-11. Review status: criteria provided, single submitter. Criteria: GeneDx Variant Classification (06012015). Collection method: clinical testing. Allele origin: germline. Affected: yes.
Comment: This variant is denoted BARD1 c.1867G>C at the cDNA level, p.Gly623Arg (G623R) at the protein level, and results in the change of a Glycine to an Arginine (GGG>CGG). This variant has not, to our knowledge, been published in the literature as pathogenic or benign. BARD1 Gly623Arg was not observed in approximately 6,500 individuals of European and African American ancestry in the NHLBI Exome Sequencing Project, indicating it is not a common benign variant in these populations. This variant is a non-conservative substitution in which a neutral non-polar amino acid is replaced with a positive polar one, altering a position that is well conserved throughout evolution and is located in the BRCT1 domain. Multiple in silico algorithms predict that this variant may be damaging to protein structure and function. Based on currently available information, it is unclear whether BARD1 Gly623Arg is a pathogenic variant or a benign variant Furthermore, BARD1 has been only recently described in association with cancer predisposition and the risks are not well understood.

NM_000465.4(BARD1):c.1867G>C (p.Gly623Arg)

Gene: BARD1 (BRCA1 associated RING domain 1; minus strand). Cytogenetic location: 2q35.
Variant type: single nucleotide variant.
Coding change: c.1867G>C on transcript NM_000465.4 (MANE Select); coding-DNA position 1867, G replaced by C.
Protein change: p.Gly623Arg; replaces glycine 623 with arginine.
Molecular consequence: missense variant. On other transcripts: non-coding transcript variant (3), intron variant (1).
Genome position (GRCh38, 1-based): chr2:214,745,103, C>G on the plus strand (G>C on the coding strand, the complement: BARD1 is on the minus strand). VCF-style: chr2-214745103-C-G. GRCh37 (hg19) VCF-style: chr2-215609827-C-G.
Other names: p.G623R:GGG>CGG; c.1810G>C, p.Gly604Arg (NM_001282543.2); c.514G>C, p.Gly172Arg (NM_001282545.2); c.457G>C, p.Gly153Arg (NM_001282548.2); c.365-14595G>C (NM_001282549.2); short protein forms G623R, G153R, G172R, G604R.
Identifiers: ClinVar variation 127724 (VCV000127724.13), dbSNP rs587780023, ClinGen allele CA287524.